The following is an entry in ClinVar:

ClinVar aggregate classification (germline): Uncertain significance (1 of 4 stars; one submission).

gnomAD v4.1: 2 of 1,613,822 alleles (0.00012%); highest among the groups gnomAD compares: Non-Finnish European, 0.00017%; no homozygotes.

Submission:

Labcorp Genetics (formerly Invitae), Labcorp
Classification: Uncertain significance. Last evaluated: 2026-01-04. Review status: criteria provided, single submitter. Criteria: Invitae Variant Classification Sherloc (09022015). Collection method: clinical testing. Allele origin: germline.
Comment: This sequence change falls in intron 2 of the C1S gene. It does not directly change the encoded amino acid sequence of the C1S protein. It affects a nucleotide within the consensus splice site. This variant is present in population databases (no rsID available, gnomAD 0.0009%). This variant has not been reported in the literature in individuals affected with C1S-related conditions. Variants that disrupt the consensus splice site are a relatively common cause of aberrant splicing (PMID: 17576681, 9536098). Algorithms developed to predict the effect of sequence changes on RNA splicing suggest that this variant may disrupt the consensus splice site. In summary, the available evidence is currently insufficient to determine the role of this variant in disease. Therefore, it has been classified as a Variant of Uncertain Significance.

Literature cited by the submitters: PubMed 17576681; PubMed 9536098.

NM_001734.5(C1S):c.5+5G>C

Gene: C1S (complement C1s; plus strand). Cytogenetic location: 12p13.31.
Variant type: single nucleotide variant.
Coding change: c.5+5G>C on transcript NM_001734.5 (MANE Select); 5 bases into the intron after coding-DNA position 5, G replaced by C.
Molecular consequence: intron variant.
Genome position (GRCh38, 1-based): chr12:7,061,922, G>C. VCF-style: chr12-7061922-G-C. GRCh37 (hg19) VCF-style: chr12-7169226-G-C.
Other names: c.5+5G>C (NM_201442.4); c.-289+5G>C (NM_001346850.2).
Identifiers: ClinVar variation 4734702 (VCV004734702.1).
Genomic context (GRCh38, chr12:7,061,922, plus strand): 5'-AAGCCAGGACCAAGAGACAGGCAGCTCACCAGGGTGGACAAATCGCCAGAGATGTGGTAA[G>C]TGATCAAGGGTCCCTGAGATGACACAGACTCCATTCCCTTCATCTTCTCAAGAAAAGCGC-3'